The following is an entry in ClinVar:

ClinVar aggregate classification (germline): Likely benign (0 of 4 stars; one submission).

Conditions:
RASIP1-related disorder. Also called: RASIP1-related condition.

Allele frequency attached by ClinVar (database versions not stated): TOPMed 0.00101; ESP Exome Variant Server 0.00123; gnomAD 0.00127; 1000 Genomes Project 0.00140; 1000 Genomes Project 30x 0.00141; ExAC 0.00155; gnomAD exomes 0.00157.
gnomAD v4.1: 2,516 of 1,614,052 alleles (0.16%); highest among the groups gnomAD compares: Non-Finnish European, 0.17%; 10 homozygotes.

Submission:

PreventionGenetics, part of Exact Sciences
Classification: Likely benign for RASIP1-related condition. Last evaluated: 2022-01-31. Review status: no assertion criteria provided. Collection method: clinical testing. Allele origin: germline.
Comment: This variant is classified as likely benign based on ACMG/AMP sequence variant interpretation guidelines (Richards et al. 2015 PMID: 25741868, with internal and published modifications).

NM_017805.3(RASIP1):c.2527C>T (p.Arg843Cys)

Gene: RASIP1 (Ras interacting protein 1; minus strand). Cytogenetic location: 19q13.33.
Variant type: single nucleotide variant.
Coding change: c.2527C>T on transcript NM_017805.3 (MANE Select); coding-DNA position 2527, C replaced by T.
Protein change: p.Arg843Cys; replaces arginine 843 with cysteine.
Molecular consequence: missense variant.
Genome position (GRCh38, 1-based): chr19:48,724,354, G>A on the plus strand (C>T on the coding strand, the complement: RASIP1 is on the minus strand). VCF-style: chr19-48724354-G-A. GRCh37 (hg19) VCF-style: chr19-49227611-G-A.
Other names: short protein forms R843C.
Identifiers: ClinVar variation 3043743 (VCV003043743.2), dbSNP rs144734317, ClinGen allele CA9556873.